The following is an entry in ClinVar:

NM_000243.3(MEFV):c.1760-28T>A

Genes: MEFV (MEFV innate immunity regulator, pyrin; minus strand), LOC126862264 (CDK7 strongly-dependent group 2 enhancer GRCh37_chr16:3293322-3294521; plus strand). Cytogenetic location: 16p13.3.
Variant type: single nucleotide variant.
Coding change: c.1760-28T>A on transcript NM_000243.3 (MANE Select); 28 bases into the intron before coding-DNA position 1760, T replaced by A.
Molecular consequence: intron variant. On other transcripts: missense variant (1).
Genome position (GRCh38, 1-based): chr16:3,243,920, A>T on the plus strand (T>A on the coding strand, the complement: MEFV is on the minus strand). VCF-style: chr16-3243920-A-T. GRCh37 (hg19) VCF-style: chr16-3293920-A-T.
Other names: c.1274T>A, p.Phe425Tyr (NM_001198536.2); short protein forms F425Y.
Identifiers: ClinVar variation 97457 (VCV000097457.15), dbSNP rs104895169, ClinGen allele CA280434.

ClinVar aggregate classification (germline): Conflicting classifications of pathogenicity. Review status: criteria provided, conflicting classifications (1 of 4 stars). 7 submissions from 7 submitters: Uncertain significance (1); Benign (1); Likely benign (2). 3 of the submissions do not count toward it. Last evaluated 2024-12-03.

Conditions:
Familial Mediterranean fever (FMF). Also called: POLYSEROSITIS, FAMILIAL PAROXYSMAL; POLYSEROSITIS, RECURRENT; Periodic peritonitis; Benign paroxysmal peritonitis. Identifiers: Orphanet 342, MedGen C0031069, MONDO:0018088, OMIM 249100. Disease mechanism: gain of function.
Familial Mediterranean fever, autosomal dominant. Also called: FMF, AUTOSOMAL DOMINANT; Dominant Familial Mediterranean Fever. Identifiers: Orphanet 342, MedGen C1851347, MONDO:0007601, OMIM 134610.
Acute febrile neutrophilic dermatosis (AFND). Also called: Sweet Syndrome; Gomm Button disease. Identifiers: Orphanet 3243, MedGen C0085077, MONDO:0011959, OMIM 608068.

Allele frequency attached by ClinVar (database versions not stated): 1000 Genomes Project 30x 0.00016; 1000 Genomes Project 0.00020; gnomAD 0.00021 and 0.00022; TOPMed 0.00029; ExAC 0.00037; ESP Exome Variant Server 0.00038; gnomAD exomes 0.00039 and 0.00046.
gnomAD v4.1: 701 of 1,613,670 alleles (0.043%); highest among the groups gnomAD compares: Non-Finnish European, 0.053%; no homozygotes.

Submissions (7):

Women's Health and Genetics/Laboratory Corporation of America, LabCorp
Classification: Likely benign. Last evaluated: 2024-12-03. Review status: criteria provided, single submitter. Criteria: LabCorp Variant Classification Summary - May 2015. Collection method: clinical testing. Allele origin: germline.
Comment: Variant summary: MEFV c.1760-28T>A is located at a position not widely known to affect splicing. Consensus agreement among computation tools predict no significant impact on normal splicing. However, these predictions have yet to be confirmed by functional studies. The variant allele was found at a frequency of 0.00039 in 250032 control chromosomes. This frequency is not significantly higher than estimated for a pathogenic variant in MEFV causing Familial Mediterranean Fever (0.00039 vs 0.022), allowing no conclusion about variant significance. c.1760-28T>A (also known as c.1274A>T,p.F425Y) has been reported in the literature in at-least one individual affected with periodic fever with aphthous stomatitis, pharyngitis, and cervical adenitis (PFAPA) syndrome without strong evidence for causality (example: DiGioia_2015). These report(s) do not provide unequivocal conclusions about association of the variant with Familial Mediterranean Fever. To our knowledge, no experimental evidence demonstrating an impact on protein function has been reported. The following publication has been ascertained in the context of this evaluation (PMID: 25988833). ClinVar contains an entry for this variant (Variation ID: 97457). Based on the evidence outlined above, the variant was classified as likely benign.

Blueprint Genetics
Classification: Likely benign. Last evaluated: 2024-11-20. Review status: criteria provided, single submitter. Criteria: ACMG Guidelines, 2015. Collection method: clinical testing. Allele origin: germline.

Department of Pathology and Laboratory Medicine, Sinai Health System
Classification: Uncertain significance for Familial Mediterranean fever, autosomal dominant; Familial Mediterranean fever; Acute febrile neutrophilic dermatosis. Last evaluated: 2021-11-04. Review status: criteria provided, single submitter. Criteria: ACMG Guidelines, 2015. Collection method: research. Allele origin: germline.

ARUP Laboratories, Molecular Genetics and Genomics, ARUP Laboratories
Classification: Benign. Last evaluated: 2021-07-09. Review status: criteria provided, single submitter. Criteria: ARUP Molecular Germline Variant Investigation Process 2021. Collection method: clinical testing. Allele origin: germline.

Clinical Genetics DNA and cytogenetics Diagnostics Lab, Erasmus MC, Erasmus Medical Center
Classification: Likely benign. Review status: no assertion criteria provided. Collection method: clinical testing. Allele origin: germline. Affected: yes. Study: VKGL Data-share Consensus. Not counted in ClinVar's aggregate classification.

Genome Diagnostics Laboratory, University Medical Center Utrecht
Classification: Likely benign. Review status: no assertion criteria provided. Collection method: clinical testing. Allele origin: germline. Affected: yes. Study: VKGL Data-share Consensus. Not counted in ClinVar's aggregate classification.

Unité médicale des maladies autoinflammatoires, CHRU Montpellier
No classification provided. Condition: Familial Mediterranean fever. Review status: no classification provided. Collection method: not provided. Allele origin: unknown. Not counted in ClinVar's aggregate classification.

Literature cited by the submitters: PubMed 25988833 (cited by Women's Health and Genetics/Laboratory Corporation of America, LabCorp).